The following is an entry in ClinVar:

NM_002582.4(PARN):c.569A>G (p.Asp190Gly)

Gene: PARN (poly(A)-specific ribonuclease; minus strand). Cytogenetic location: 16p13.12.
Variant type: single nucleotide variant.
Coding change: c.569A>G on transcript NM_002582.4 (MANE Select); coding-DNA position 569, A replaced by G.
Protein change: p.Asp190Gly; replaces aspartic acid 190 with glycine.
Molecular consequence: missense variant.
Genome position (GRCh38, 1-based): chr16:14,609,109, T>C on the plus strand (A>G on the coding strand, the complement: PARN is on the minus strand). VCF-style: chr16-14609109-T-C. GRCh37 (hg19) VCF-style: chr16-14702966-T-C.
Other names: c.386A>G, p.Asp129Gly (NM_001134477.3); c.431A>G, p.Asp144Gly (NM_001242992.2); c.569A>G, p.Asp190Gly (LRG_1286t1); short protein forms D190G, D144G, D129G.
Identifiers: ClinVar variation 546356 (VCV000546356.5), dbSNP rs769599205, ClinGen allele CA7912377.
Genomic context (GRCh38, chr16:14,609,109, plus strand): 5'-ACAACTAACCCGGTACATGGCTCTAAATCCAAGTTCTTGTTTTCTTCACTTTGTAATAAA[T>C]CCTCTATTTTCTCTCTGAGGAATAAGAATAGACCATAACCATCAGTACCTTTAAGGAATG-3'
Protein context (NP_002573.1, residues 180-200): FIDQVVEKIE[Asp190Gly]LLQSEENKNL

ClinVar aggregate classification (germline): Uncertain significance. Review status: criteria provided, multiple submitters, no conflicts (2 of 4 stars). 2 submissions from 2 submitters: Uncertain significance (2). Last evaluated 2025-06-03.

Conditions:
Dyskeratosis congenita, autosomal recessive 6 (DKCB6). Identifiers: MedGen C4225356, MONDO:0014600, OMIM 616353.
Pulmonary fibrosis and/or bone marrow failure, Telomere-related, 4. Also called: PULMONARY FIBROSIS AND/OR BONE MARROW FAILURE SYNDROME, TELOMERE-RELATED, 4. Identifiers: Orphanet 2032, MedGen C4225347, MONDO:0014612, OMIM 616371.

Allele frequency attached by ClinVar (database versions not stated): gnomAD exomes below 0.00001; ExAC below 0.00001.
gnomAD v4.1: 1 of 1,523,400 alleles (0.000066%); highest among the groups gnomAD compares: Admixed American, 0.0018%; no homozygotes.

Submissions (2):

Labcorp Genetics (formerly Invitae), Labcorp
Classification: Uncertain significance for Dyskeratosis congenita, autosomal recessive 6; Pulmonary fibrosis and/or bone marrow failure, Telomere-related, 4. Last evaluated: 2025-06-03. Review status: criteria provided, single submitter. Criteria: Invitae Variant Classification Sherloc (09022015). Collection method: clinical testing. Allele origin: germline.
Comment: This sequence change replaces aspartic acid, which is acidic and polar, with glycine, which is neutral and non-polar, at codon 190 of the PARN protein (p.Asp190Gly). The frequency data for this variant in the population databases is considered unreliable, as metrics indicate poor data quality at this position in the gnomAD database. This variant has not been reported in the literature in individuals affected with PARN-related conditions. ClinVar contains an entry for this variant (Variation ID: 546356). Invitae Evidence Modeling of protein sequence and biophysical properties (such as structural, functional, and spatial information, amino acid conservation, physicochemical variation, residue mobility, and thermodynamic stability) indicates that this missense variant is not expected to disrupt PARN protein function with a negative predictive value of 80%. Algorithms developed to predict the effect of sequence changes on RNA splicing suggest that this variant may disrupt the consensus splice site. In summary, the available evidence is currently insufficient to determine the role of this variant in disease. Therefore, it has been classified as a Variant of Uncertain Significance.

GeneDx
Classification: Uncertain significance. Last evaluated: 2018-05-17. Review status: criteria provided, single submitter. Criteria: GeneDx Variant Classification (06012015). Collection method: clinical testing. Allele origin: germline. Affected: yes.
Comment: The D190G variant in the PARN gene has not been reported previously as a pathogenic variant, nor as a benign variant, to our knowledge. The D190G variant is not observed in large population cohorts (Lek et al., 2016). The D190G variant is a non-conservative amino acid substitution, which is likely to impact secondary protein structure as these residues differ in polarity, charge, size and/or other properties. However, in silico analyses, including protein predictors and evolutionary conservation, support that this variant does not alter protein structure/function. We interpret D190G as a variant of uncertain significance.